The following is an entry in ClinVar:

ClinVar aggregate classification (germline): Likely benign (1 of 4 stars; one submission).

gnomAD v4.1: 1 of 1,613,334 alleles (0.000062%); highest among the groups gnomAD compares: Admixed American, 0.0017%; no homozygotes.

Submission:

CeGaT Center for Human Genetics Tuebingen
Classification: Likely benign. Last evaluated: 2026-05-01. Review status: criteria provided, single submitter. Criteria: CeGaT Center For Human Genetics Tuebingen Variant Classification Criteria Version 2. Collection method: clinical testing. Allele origin: germline. Affected: yes. Observed: 1 variant allele.
Comment: SETX: BP4, BP7

NM_015046.7(SETX):c.2418T>C (p.Asp806=)

Gene: SETX (senataxin; minus strand). Cytogenetic location: 9q34.13.
Variant type: single nucleotide variant.
Coding change: c.2418T>C on transcript NM_015046.7 (MANE Select); coding-DNA position 2418, T replaced by C.
Protein change: p.Asp806=; no amino-acid change (aspartic acid 806 retained).
Molecular consequence: synonymous variant.
Genome position (GRCh38, 1-based): chr9:132,329,180, A>G on the plus strand (T>C on the coding strand, the complement: SETX is on the minus strand). VCF-style: chr9-132329180-A-G. GRCh37 (hg19) VCF-style: chr9-135204567-A-G.
Other names: c.2418T>C, p.Asp806= (NM_001351527.2, NM_001351528.2).
Identifiers: ClinVar variation 4874870 (VCV004874870.2).